The following is an entry in ClinVar:

ClinVar aggregate classification (germline): Conflicting classifications of pathogenicity. Review status: criteria provided, conflicting classifications (1 of 4 stars). 3 submissions from 3 submitters: Uncertain significance (2); Likely benign (1). Last evaluated 2025-12-01.

Conditions:
Hereditary spastic paraplegia 48. Also called: SPASTIC PARAPLEGIA 48, AUTOSOMAL RECESSIVE; Spastic paraplegia 48. Identifiers: Orphanet 306511, MedGen C3150901, MONDO:0013342, OMIM 613647.
Inborn genetic diseases. Identifiers: MedGen C0950123, MeSH D030342.

Allele frequency attached by ClinVar (database versions not stated): 1000 Genomes Project below 0.00001; gnomAD 0.00002 and 0.00004; TOPMed 0.00003.
gnomAD v4.1: 150 of 1,613,112 alleles (0.0093%); highest among the groups gnomAD compares: East Asian, 0.17%; 1 homozygote.

Submissions (3):

Labcorp Genetics (formerly Invitae), Labcorp
Classification: Likely benign for Hereditary spastic paraplegia 48. Last evaluated: 2025-12-01. Review status: criteria provided, single submitter. Criteria: Invitae Variant Classification Sherloc (09022015). Collection method: clinical testing. Allele origin: germline.

CeGaT Center for Human Genetics Tuebingen
Classification: Uncertain significance. Last evaluated: 2023-06-01. Review status: criteria provided, single submitter. Criteria: CeGaT Center For Human Genetics Tuebingen Variant Classification Criteria Version 2. Collection method: clinical testing. Allele origin: germline. Affected: yes. Observed: 1 variant allele.
Comment: AP5Z1: PM2, BP4

Ambry Genetics
Classification: Uncertain significance for Inborn genetic diseases. Last evaluated: 2021-09-07. Review status: criteria provided, single submitter. Criteria: Ambry Variant Classification Scheme 2023. Collection method: clinical testing. Allele origin: germline.
Comment: The c.970-4G>A intronic alteration consists of a G to A substitution 4 nucleotides before coding exon 9 in the AP5Z1 gene. Based on insufficient or conflicting evidence, the clinical significance of this alteration remains unclear.

NM_014855.3(AP5Z1):c.970-4G>A

Gene: AP5Z1 (adaptor related protein complex 5 subunit zeta 1; plus strand). Cytogenetic location: 7p22.1.
Variant type: single nucleotide variant.
Coding change: c.970-4G>A on transcript NM_014855.3 (MANE Select); 4 bases into the intron before coding-DNA position 970, G replaced by A.
Molecular consequence: intron variant.
Genome position (GRCh38, 1-based): chr7:4,785,518, G>A. VCF-style: chr7-4785518-G-A. GRCh37 (hg19) VCF-style: chr7-4825149-G-A.
Other names: c.502-4G>A (NM_001364858.1).
Identifiers: ClinVar variation 701273 (VCV000701273.33), dbSNP rs559842146, ClinGen allele CA4137547.